The following is an entry in ClinVar:

NM_206965.2(FTCD):c.439G>C (p.Glu147Gln)

Genes: FTCD (formimidoyltransferase cyclodeaminase; minus strand), FTCD-AS1 (FTCD antisense RNA 1; plus strand). Cytogenetic location: 21q22.3.
Variant type: single nucleotide variant.
Coding change: c.439G>C on transcript NM_206965.2 (MANE Select); coding-DNA position 439, G replaced by C.
Protein change: p.Glu147Gln; replaces glutamic acid 147 with glutamine.
Molecular consequence: missense variant.
Genome position (GRCh38, 1-based): chr21:46,151,909, C>G on the plus strand (G>C on the coding strand, the complement: FTCD is on the minus strand). VCF-style: chr21-46151909-C-G. GRCh37 (hg19) VCF-style: chr21-47571823-C-G.
Other names: c.439G>C, p.Glu147Gln (NM_001320412.2, NM_006657.3); short protein forms E147Q.
Identifiers: ClinVar variation 3359482 (VCV003359482.1).
Genomic context (GRCh38, chr21:46,151,909, plus strand): 5'-GGTCCACCTCCTTCCCAGGCCCGACCGCCCGGGGTGGGGGCACCTTCTTAGGGAGGGCCT[C>G]GTACTCCCCGGCCCGGATGGCCGGCAGGGTCCGGCGACTGTCCATCCTGGCTGCCTCGCC-3'
Protein context (NP_996848.1, residues 137-157): TLPAIRAGEY[Glu147Gln]ALPKKLQQAD

ClinVar aggregate classification (germline): Uncertain significance (1 of 4 stars; one submission).

Submission:

GeneDx
Classification: Uncertain significance. Last evaluated: 2023-06-06. Review status: criteria provided, single submitter. Criteria: GeneDx Variant Classification Process June 2021. Collection method: clinical testing. Allele origin: germline. Affected: yes.
Comment: Not observed at significant frequency in large population cohorts (gnomAD); In silico analysis supports that this missense variant has a deleterious effect on protein structure/function; Has not been previously published as pathogenic or benign to our knowledge